The following is an entry in ClinVar:

ClinVar aggregate classification (germline): Uncertain significance (1 of 4 stars; one submission).

Conditions:
Cardiomyopathy (CMYO). Also called: Cardiomyopathies. Identifiers: Orphanet 167848, MedGen C0878544, MONDO:0004994, HP:0001638. Inheritance: Various modes of inheritance.

Submission:

Color Diagnostics, LLC DBA Color Health
Classification: Uncertain significance for Cardiomyopathy. Last evaluated: 2025-07-14. Review status: criteria provided, single submitter. Criteria: ACMG Guidelines, 2015. Collection method: clinical testing. Allele origin: germline.
Comment: This missense variant replaces histidine with proline at codon 161 of the MYL2 protein. Computational prediction suggests that this variant may have deleterious impact on protein structure and function. To our knowledge, functional studies have not been reported for this variant. This variant has not been reported in individuals affected with MYL2-related disorders in the literature. This variant has not been identified in the general population by the Genome Aggregation Database (gnomAD). The available evidence is insufficient to determine the role of this variant in disease conclusively. Therefore, this variant is classified as a Variant of Uncertain Significance.

NM_000432.4(MYL2):c.482A>C (p.His161Pro)

Gene: MYL2 (myosin light chain 2; minus strand). Cytogenetic location: 12q24.11.
Variant type: single nucleotide variant.
Coding change: c.482A>C on transcript NM_000432.4 (MANE Select); coding-DNA position 482, A replaced by C.
Protein change: p.His161Pro; replaces histidine 161 with proline.
Molecular consequence: missense variant.
Genome position (GRCh38, 1-based): chr12:110,911,096, T>G on the plus strand (A>C on the coding strand, the complement: MYL2 is on the minus strand). VCF-style: chr12-110911096-T-G. GRCh37 (hg19) VCF-style: chr12-111348900-T-G.
Other names: c.440A>C, p.His147Pro (NM_001406745.1); c.425A>C, p.His142Pro (NM_001406916.1); short protein forms H142P, H147P, H161P.
Identifiers: ClinVar variation 4758905 (VCV004758905.1).